The following is an entry in ClinVar:

ClinVar aggregate classification (germline): Uncertain significance (1 of 4 stars; one submission).

Submission:

Ambry Genetics
Classification: Uncertain significance. Last evaluated: 2022-05-26. Review status: criteria provided, single submitter. Criteria: Ambry Variant Classification Scheme 2023. Collection method: clinical testing. Allele origin: germline.
Comment: The p.D146A variant (also known as c.437A>C), located in coding exon 6 of the RAD54L gene, results from an A to C substitution at nucleotide position 437. The aspartic acid at codon 146 is replaced by alanine, an amino acid with dissimilar properties. This amino acid position is conserved. In addition, this alteration is predicted to be deleterious by in silico analysis. Since supporting evidence is limited at this time, the clinical significance of this alteration remains unclear.

NM_003579.4(RAD54L):c.437A>C (p.Asp146Ala)

Gene: RAD54L (RAD54 like; plus strand). Cytogenetic location: 1p34.1.
Variant type: single nucleotide variant.
Coding change: c.437A>C on transcript NM_003579.4 (MANE Select); coding-DNA position 437, A replaced by C.
Protein change: p.Asp146Ala; replaces aspartic acid 146 with alanine.
Molecular consequence: missense variant. On other transcripts: 5 prime UTR variant (1).
Genome position (GRCh38, 1-based): chr1:46,260,571, A>C. VCF-style: chr1-46260571-A-C. GRCh37 (hg19) VCF-style: chr1-46726243-A-C.
Other names: c.437A>C, p.Asp146Ala (NM_001142548.2); c.-104A>C (NM_001370766.1); short protein forms D146A.
Identifiers: ClinVar variation 1740130 (VCV001740130.2), dbSNP rs2148287767, ClinGen allele CA340184838.